The following is an entry in ClinVar:

NM_019032.6(ADAMTSL4):c.2440A>G (p.Asn814Asp)

Gene: ADAMTSL4 (ADAMTS like 4; plus strand). Cytogenetic location: 1q21.2.
Variant type: single nucleotide variant.
Coding change: c.2440A>G on transcript NM_019032.6 (MANE Select); coding-DNA position 2440, A replaced by G.
Protein change: p.Asn814Asp; replaces asparagine 814 with aspartic acid.
Molecular consequence: missense variant.
Genome position (GRCh38, 1-based): chr1:150,558,530, A>G. VCF-style: chr1-150558530-A-G. GRCh37 (hg19) VCF-style: chr1-150531006-A-G.
Other names: c.2323A>G, p.Asn775Asp (NM_001288607.2); c.2509A>G, p.Asn837Asp (NM_001288608.2); c.2440A>G, p.Asn814Asp (NM_001378596.1, NM_025008.5); short protein forms N837D, N775D, N814D.
Identifiers: ClinVar variation 2044134 (VCV002044134.4), dbSNP rs587653896, ClinGen allele CA1078678.
Genomic context (GRCh38, chr1:150,558,530, plus strand): 5'-CAGTGCTCCGTGCGGTGCGGCCGGGGCCAGAGAAGCCGGCAGGTTCGCTGTGTTGGGAAC[A>G]ATGGTGATGAAGTGAGCGAGCAGGAGTGTGCGTCAGGCCCCCCGCAGCCCCCCAGCAGAG-3'
Protein context (NP_061905.2, residues 804-824): RSRQVRCVGN[Asn814Asp]GDEVSEQECA

ClinVar aggregate classification (germline): Uncertain significance. Review status: criteria provided, multiple submitters, no conflicts (2 of 4 stars). 4 submissions from 3 submitters: Uncertain significance (4). Last evaluated 2024-10-29.

Conditions:
Ectopia lentis et pupillae. Also called: ECTOPIA LENTIS WITH ECTOPIA OF PUPIL. Identifiers: Orphanet 1885, MedGen C1644196, MONDO:0009153, OMIM 225200.
Inborn genetic diseases. Identifiers: MedGen C0950123, MeSH D030342.
Ectopia lentis 2, isolated, autosomal recessive (ECTOL2). Identifiers: Orphanet 1885, MedGen C3541474, MONDO:0009152, OMIM 225100.

Allele frequency attached by ClinVar (database versions not stated): TOPMed below 0.00001; gnomAD 0.00004; gnomAD exomes 0.00005; ExAC 0.00019; 1000 Genomes Project 30x 0.00031; 1000 Genomes Project 0.00040.

Submissions (4):

Labcorp Genetics (formerly Invitae), Labcorp
Classification: Uncertain significance. Last evaluated: 2024-10-29. Review status: criteria provided, single submitter. Criteria: Invitae Variant Classification Sherloc (09022015). Collection method: clinical testing. Allele origin: germline.
Comment: This sequence change replaces asparagine, which is neutral and polar, with aspartic acid, which is acidic and polar, at codon 814 of the ADAMTSL4 protein (p.Asn814Asp). This variant is present in population databases (rs587653896, gnomAD 0.1%). This variant has not been reported in the literature in individuals affected with ADAMTSL4-related conditions. ClinVar contains an entry for this variant (Variation ID: 2044134). Invitae Evidence Modeling of protein sequence and biophysical properties (such as structural, functional, and spatial information, amino acid conservation, physicochemical variation, residue mobility, and thermodynamic stability) indicates that this missense variant is not expected to disrupt ADAMTSL4 protein function with a negative predictive value of 80%. In summary, the available evidence is currently insufficient to determine the role of this variant in disease. Therefore, it has been classified as a Variant of Uncertain Significance.

Genome-Nilou Lab
Classification: Uncertain significance for Ectopia lentis et pupillae. Last evaluated: 2023-04-11. Review status: criteria provided, single submitter. Criteria: ACMG Guidelines, 2015. Collection method: clinical testing. Allele origin: germline. Affected: no.

Genome-Nilou Lab
Classification: Uncertain significance for Ectopia lentis 2, isolated, autosomal recessive. Last evaluated: 2023-04-11. Review status: criteria provided, single submitter. Criteria: ACMG Guidelines, 2015. Collection method: clinical testing. Allele origin: germline. Affected: no.

Ambry Genetics
Classification: Uncertain significance for Inborn genetic diseases. Last evaluated: 2022-06-24. Review status: criteria provided, single submitter. Criteria: Ambry Variant Classification Scheme 2023. Collection method: clinical testing. Allele origin: germline.